The following is an entry in ClinVar:

ClinVar aggregate classification (germline): Conflicting classifications of pathogenicity. Review status: criteria provided, conflicting classifications (1 of 4 stars). 8 submissions from 8 submitters: Likely pathogenic (1); Uncertain significance (3); Likely benign (2). 2 of the submissions do not count toward it. Last evaluated 2026-01-12.

Conditions:
Spondyloepimetaphyseal dysplasia, Strudwick type (SEMDSTWK). Also called: STRUDWICK SYNDROME; DAPPLED METAPHYSIS SYNDROME. Identifiers: Orphanet 93346, MedGen C0700635, MONDO:0008476, OMIM 184250.
Vitreoretinopathy with phalangeal epiphyseal dysplasia (VPED). Identifiers: MedGen C1852989, MONDO:0031001, OMIM 619248.
Kniest dysplasia. Identifiers: Orphanet 485, MedGen C0265279, MONDO:0007987, OMIM 156550.
Avascular necrosis of femoral head, primary, 1 (ANFH1). Also called: Avascular necrosis of femoral head, primary. Identifiers: Orphanet 86820, MedGen C4551562, MONDO:0054550, OMIM 608805.
Achondrogenesis type II (ACG2). Also called: CHONDROGENESIS IMPERFECTA; ACHONDROGENESIS, LANGER-SALDINO TYPE. Identifiers: Orphanet 932, Orphanet 93296, MedGen C0220685, MONDO:0008702, OMIM 200610.
Spondyloepiphyseal dysplasia, Stanescu type. Also called: SED, STANESCU TYPE; SPONDYLOEPIMETAPHYSEAL DYSPLASIA, STANESCU TYPE. Identifiers: Orphanet 459051, MedGen C4225273, MONDO:0014701, OMIM 616583.
Spondyloepiphyseal dysplasia congenita (SEDC). Also called: SPONDYLOEPIPHYSEAL DYSPLASIA, CONGENITAL TYPE; SED CONGENITA. Identifiers: Orphanet 94068, MedGen C2745959, MONDO:0008471, OMIM 183900.
Stickler syndrome, type I, nonsyndromic ocular. Also called: STICKLER SYNDROME, TYPE I, PREDOMINANTLY OCULAR; STICKLER SYNDROME, ATYPICAL. Identifiers: MedGen C1836080, MONDO:0012287, OMIM 609508.
Spondylometaphyseal dysplasia, Schmidt type (SMDALG). Also called: SPONDYLOMETAPHYSEAL DYSPLASIA WITH SEVERE GENU VALGUM; SPONDYLOMETAPHYSEAL DYSPLASIA, ALGERIAN TYPE. Identifiers: Orphanet 93316, MedGen C1866688, MONDO:0008478, OMIM 184253.
Platyspondylic dysplasia, Torrance type (PLSDT). Identifiers: Orphanet 85166, MedGen C1835437, MONDO:0007895, OMIM 151210.
Legg-Calve-Perthes disease. Also called: Avascular necrosis of the capital femoral epiphysis; Osteochondritis deformans; Coxa plana; PERTHES DISEASE. Identifiers: Orphanet 2380, MedGen C1442965, MONDO:0007885, OMIM 150600, HP:0005743.
Multiple epiphyseal dysplasia, Beighton type. Identifiers: Orphanet 166011, MedGen C1851536, MONDO:0007562, OMIM 132450.
Spondyloepiphyseal dysplasia with metatarsal shortening. Also called: CZECH DYSPLASIA, METATARSAL TYPE; SPONDYLOEPIPHYSEAL DYSPLASIA WITH PRECOCIOUS OSTEOARTHRITIS; Pseudorheumatoid dysplasia progressive, with hypoplastic toes. Identifiers: Orphanet 137678, MedGen C1836683, MONDO:0012206, OMIM 609162.
Spondyloperipheral dysplasia. Also called: Spondyloperipheral dysplasia-short ulna syndrome; SPONDYLOPERIPHERAL DYSPLASIA WITH SHORT ULNA. Identifiers: Orphanet 1856, MedGen C0796173, MONDO:0010078, OMIM 271700.
Stickler syndrome type 1 (STL1). Also called: STICKLER SYNDROME, MEMBRANOUS VITREOUS TYPE; STICKLER SYNDROME, VITREOUS TYPE 1; COL2A1-Related Stickler Syndrome; ARTHROOPHTHALMOPATHY, HEREDITARY PROGRESSIVE. Identifiers: Orphanet 828, Orphanet 90653, MedGen C2020284, MONDO:0007160, OMIM 108300.
Namaqualand hip dysplasia (OSCDP). Also called: Mild spondyloepiphyseal dysplasia due to COL2A1 mutation with early-onset osteoarthritis. Identifiers: Orphanet 93279, MedGen C0432214, MONDO:0011496, OMIM 604864.
COL2A1-related disorder. Also called: COL2A1-related condition; COL2A1-related disorders.

Allele frequency attached by ClinVar (database versions not stated): gnomAD exomes 0.00007 and 0.00016; ExAC 0.00022; gnomAD 0.00005; ESP Exome Variant Server 0.00015; TOPMed 0.00019.
gnomAD v4.1: 108 of 1,614,116 alleles (0.0067%); highest among the groups gnomAD compares: East Asian, 0.022%; no homozygotes.

Submissions (8):

Labcorp Genetics (formerly Invitae), Labcorp
Classification: Likely benign. Last evaluated: 2026-01-12. Review status: criteria provided, single submitter. Criteria: Invitae Variant Classification Sherloc (09022015). Collection method: clinical testing. Allele origin: germline.

Blueprint Genetics
Classification: Likely benign. Last evaluated: 2024-11-05. Review status: criteria provided, single submitter. Criteria: ACMG Guidelines, 2015. Collection method: clinical testing. Allele origin: germline.

GeneDx
Classification: Uncertain significance. Last evaluated: 2024-05-24. Review status: criteria provided, single submitter. Criteria: GeneDx Variant Classification Process June 2021. Collection method: clinical testing. Allele origin: germline. Affected: yes.
Comment: Identified in a patient with hip pain and avascular necrosis of the femoral head whose niece had a history of epiphyseal dysplasia but did not harbor any variants in the COL2A1 gene and also identified in a patient with early-onset bilateral sensorineural hearing loss (PMID: 23967202, 21671384); Not located in the triple helical region, where the majority of pathogenic missense variants occur (HGMD); In silico analysis supports that this missense variant has a deleterious effect on protein structure/function; This variant is associated with the following publications: (PMID: 23967202, 27183340, 30328481, 33451138, 34088323, 21671384)

Revvity Omics, Revvity
Classification: Uncertain significance. Last evaluated: 2022-05-30. Review status: criteria provided, single submitter. Criteria: ACMG Guidelines, 2015. Collection method: clinical testing. Allele origin: germline.

Genomic Research Center, Shahid Beheshti University of Medical Sciences
Classification: Likely pathogenic for Avascular necrosis of the head of femur. Last evaluated: 2017-12-18. Review status: criteria provided, single submitter. Criteria: ACMG Guidelines, 2015. Collection method: clinical testing. Allele origin: inherited.

Juno Genomics, Hangzhou Juno Genomics, Inc
Classification: Uncertain significance for Spondyloepiphyseal dysplasia congenita; Spondyloepiphyseal dysplasia, Stanescu type; Spondyloperipheral dysplasia; Stickler syndrome type 1; Stickler syndrome, type I, nonsyndromic ocular; Spondylometaphyseal dysplasia, Schmidt type; Multiple epiphyseal dysplasia, Beighton type; Vitreoretinopathy with phalangeal epiphyseal dysplasia; Achondrogenesis type II; Avascular necrosis of femoral head, primary, 1; Spondyloepimetaphyseal dysplasia, Strudwick type; Spondyloepiphyseal dysplasia with metatarsal shortening; Kniest dysplasia; Legg-Calve-Perthes disease; Namaqualand hip dysplasia; Platyspondylic dysplasia, Torrance type. Review status: criteria provided, single submitter. Criteria: ACMG Guidelines, 2015. Collection method: clinical testing. Allele origin: germline.
Comment: Absent from controls (or at extremely low frequency if recessive) in Genome Aggregation Database.;Missense variant in a gene that has a low rate of benign missense variation.

PreventionGenetics, part of Exact Sciences
Classification: Uncertain significance for COL2A1-related condition. Last evaluated: 2024-02-13. Review status: no assertion criteria provided. Collection method: clinical testing. Allele origin: germline. Not counted in ClinVar's aggregate classification.
Comment: The COL2A1 c.4148C>T variant is predicted to result in the amino acid substitution p.Thr1383Met. This variant has been reported in the heterozygous state in an individual with avascular necrosis of the femur head (Kannu et al. 2011. PubMed ID: 21671384) and in an individual with deafness (Table S2, Miyagawa et al. 2013. PubMed ID: 23967202). This variant is reported in 0.024% of alleles in individuals of European (Non-Finnish) descent in gnomAD. In ClinVar, this variant has classifications ranging from Likely Benign to Likely Pathogenic. At this time the clinical significance of this variant is uncertain due to the absence of conclusive functional and genetic evidence.

OMIM
Classification: Pathogenic for AVASCULAR NECROSIS OF THE FEMORAL HEAD, PRIMARY, 1. Last evaluated: 2011-07-01. Review status: no assertion criteria provided. Collection method: literature only. Allele origin: germline. Not counted in ClinVar's aggregate classification.

Literature cited by the submitters: PubMed 21671384 (cited by OMIM).

NM_001844.5(COL2A1):c.4148C>T (p.Thr1383Met)

Gene: COL2A1 (collagen type II alpha 1 chain; minus strand). Cytogenetic location: 12q13.11.
Variant type: single nucleotide variant.
Coding change: c.4148C>T on transcript NM_001844.5 (MANE Select); coding-DNA position 4148, C replaced by T.
Protein change: p.Thr1383Met; replaces threonine 1383 with methionine.
Molecular consequence: missense variant.
Genome position (GRCh38, 1-based): chr12:47,974,258, G>A on the plus strand (C>T on the coding strand, the complement: COL2A1 is on the minus strand). VCF-style: chr12-47974258-G-A. GRCh37 (hg19) VCF-style: chr12-48368041-G-A.
Other names: c.3941C>T, p.Thr1314Met (NM_033150.3); short protein forms T1383M, T1314M.
Identifiers: ClinVar variation 29637 (VCV000029637.21), dbSNP rs138498898, ClinGen allele CA128528.